The following is an entry in ClinVar:

NM_004360.5(CDH1):c.1761T>C (p.Asp587=)

Gene: CDH1 (cadherin 1; plus strand). Cytogenetic location: 16q22.1.
Variant type: single nucleotide variant.
Coding change: c.1761T>C on transcript NM_004360.5 (MANE Select); coding-DNA position 1761, T replaced by C.
Protein change: p.Asp587=; no amino-acid change (aspartic acid 587 retained).
Molecular consequence: synonymous variant. On other transcripts: 5 prime UTR variant (1).
Genome position (GRCh38, 1-based): chr16:68,822,050, T>C. VCF-style: chr16-68822050-T-C. GRCh37 (hg19) VCF-style: chr16-68855953-T-C.
Other names: c.1578T>C, p.Asp526= (NM_001317184.2); c.213T>C, p.Asp71= (NM_001317185.2); c.-205T>C (NM_001317186.2).
Identifiers: ClinVar variation 3378609 (VCV003378609.2).

ClinVar aggregate classification (germline): Benign/Likely benign. Review status: criteria provided, multiple submitters, no conflicts (2 of 4 stars). 2 submissions from 2 submitters: Benign (1); Likely benign (1). Last evaluated 2025-12-16.

Conditions:
Hereditary cancer-predisposing syndrome. Also called: Hereditary neoplastic syndrome; Tumor predisposition; Neoplastic Syndromes, Hereditary; Hereditary Cancer Syndrome. Identifiers: Orphanet 140162, MedGen C0027672, MeSH D009386, MONDO:0015356.
Hereditary diffuse gastric adenocarcinoma (HDGC). Also called: DIFFUSE GASTRIC AND LOBULAR BREAST CANCER SYNDROME. Identifiers: Orphanet 26106, MedGen C1708349, MONDO:0007648, OMIM 137215.

Submissions (2):

Ambry Genetics
Classification: Likely benign for Hereditary cancer-predisposing syndrome. Last evaluated: 2025-12-16. Review status: criteria provided, single submitter. Criteria: Ambry Variant Classification Scheme 2023. Collection method: clinical testing. Allele origin: germline.

Myriad Genetics, Inc.
Classification: Benign for Hereditary diffuse gastric adenocarcinoma. Last evaluated: 2024-09-20. Review status: criteria provided, single submitter. Criteria: Myriad Autosomal Dominant, Autosomal Recessive and X-Linked Classification Criteria (2023). Collection method: clinical testing. Allele origin: unknown.
Comment: This variant is considered benign. This variant is a silent/synonymous amino acid change and it is not expected to impact splicing.